The following is an entry in ClinVar:

NM_000535.7(PMS2):c.1910A>C (p.Gln637Pro)

Gene: PMS2 (PMS1 homolog 2, mismatch repair system component; minus strand). Cytogenetic location: 7p22.1.
Variant type: single nucleotide variant.
Coding change: c.1910A>C on transcript NM_000535.7 (MANE Select); coding-DNA position 1910, A replaced by C.
Protein change: p.Gln637Pro; replaces glutamine 637 with proline.
Molecular consequence: missense variant. On other transcripts: non-coding transcript variant (1).
Genome position (GRCh38, 1-based): chr7:5,986,855, T>G on the plus strand (A>C on the coding strand, the complement: PMS2 is on the minus strand). VCF-style: chr7-5986855-T-G. GRCh37 (hg19) VCF-style: chr7-6026486-T-G.
Other names: c.1505A>C, p.Gln502Pro (NM_001018040.1, NM_001322003.2, NM_001322004.2 and 17 more transcripts); c.1754A>C, p.Gln585Pro (NM_001322006.2, NM_001406870.1); c.1592A>C, p.Gln531Pro (NM_001322007.2, NM_001322008.2, NM_001406903.1 and 2 more transcripts); c.1349A>C, p.Gln450Pro (NM_001322010.2, NM_001406906.1, NM_001406907.1); c.977A>C, p.Gln326Pro (NM_001322011.2, NM_001322012.2); c.1337A>C, p.Gln446Pro (NM_001322013.2, NM_001406909.1); c.1910A>C, p.Gln637Pro (NM_001322014.2, NM_001406871.1, NM_001406872.1); c.1601A>C, p.Gln534Pro (NM_001322015.2, NM_001406875.1, NM_001406877.1 and 5 more transcripts); and 12 more; short protein forms Q326P, Q529P, Q571P, Q601P, Q699P, Q380P, Q466P, Q515P.
Identifiers: ClinVar variation 2119730 (VCV002119730.5), dbSNP rs751823062, ClinGen allele CA045829.

ClinVar aggregate classification (germline): Uncertain significance. Review status: criteria provided, multiple submitters, no conflicts (2 of 4 stars). 2 submissions from 2 submitters: Uncertain significance (2). Last evaluated 2025-10-06.

Conditions:
Hereditary nonpolyposis colorectal neoplasms. Identifiers: MedGen C0009405, MeSH D003123.
Lynch syndrome. Identifiers: Orphanet 144, MedGen C4552100, MONDO:0005835. Disease mechanism: loss of function.

Allele frequency attached by ClinVar (database versions not stated): gnomAD exomes below 0.00001; ExAC 0.00001.
gnomAD v4.1: 2 of 1,614,084 alleles (0.00012%); highest among the groups gnomAD compares: Non-Finnish European, 0.00017%; no homozygotes.

Submissions (2):

Labcorp Genetics (formerly Invitae), Labcorp
Classification: Uncertain significance for Hereditary nonpolyposis colorectal neoplasms. Last evaluated: 2025-10-06. Review status: criteria provided, single submitter. Criteria: Invitae Variant Classification Sherloc (09022015). Collection method: clinical testing. Allele origin: germline.
Comment: This sequence change replaces glutamine, which is neutral and polar, with proline, which is neutral and non-polar, at codon 637 of the PMS2 protein (p.Gln637Pro). This variant is present in population databases (rs751823062, gnomAD 0.0009%). This variant has not been reported in the literature in individuals affected with PMS2-related conditions. ClinVar contains an entry for this variant (Variation ID: 2119730). Invitae Evidence Modeling incorporating data from in vitro experimental studies (internal data) indicates that this missense variant is not expected to disrupt PMS2 function with a negative predictive value of 95%. In summary, the available evidence is currently insufficient to determine the role of this variant in disease. Therefore, it has been classified as a Variant of Uncertain Significance.

All of Us Research Program, National Institutes of Health
Classification: Uncertain significance for Lynch syndrome. Last evaluated: 2023-12-13. Review status: criteria provided, single submitter. Criteria: ACMG Guidelines, 2015. Collection method: clinical testing. Allele origin: germline. Inheritance: Autosomal dominant inheritance. Observed: 2 variant alleles, 2 heterozygotes.
Comment: This missense variant replaces glutamine with proline at codon 637 of the PMS2 protein. Computational prediction suggests that this variant may not impact protein structure and function (internally defined REVEL score threshold <= 0.5, PMID: 27666373). To our knowledge, functional studies have not been reported for this variant. This variant has not been reported in individuals affected with PMS2-related disorders in the literature. This variant has been identified in 1/251384 chromosomes in the general population by the Genome Aggregation Database (gnomAD). The available evidence is insufficient to determine the role of this variant in disease conclusively. Therefore, this variant is classified as a Variant of Uncertain Significance.

This study involves interpretation of variants in research participants for the purpose of population health screening. Participant phenotype was not available at the time of variant classification. Additional details can be found in publication PMID: 35346344, PMCID: PMC8962531